The following is an entry in ClinVar:

NM_002546.4(TNFRSF11B):c.613G>T (p.Ala205Ser)

Gene: TNFRSF11B (TNF receptor superfamily member 11b; minus strand). Cytogenetic location: 8q24.12.
Variant type: single nucleotide variant.
Coding change: c.613G>T on transcript NM_002546.4 (MANE Select); coding-DNA position 613, G replaced by T.
Protein change: p.Ala205Ser; replaces alanine 205 with serine.
Molecular consequence: missense variant.
Genome position (GRCh38, 1-based): chr8:118,926,698, C>A on the plus strand (G>T on the coding strand, the complement: TNFRSF11B is on the minus strand). VCF-style: chr8-118926698-C-A. GRCh37 (hg19) VCF-style: chr8-119938937-C-A.
Other names: short protein forms A205S.
Identifiers: ClinVar variation 2139064 (VCV002139064.4), dbSNP rs1273535537, ClinGen allele CA371919558.

ClinVar aggregate classification (germline): Uncertain significance (1 of 4 stars; one submission).

Allele frequency attached by ClinVar (database versions not stated): TOPMed 0.00001.
gnomAD v4.1: 2 of 1,613,812 alleles (0.00012%); highest among the groups gnomAD compares: Admixed American, 0.0017%; no homozygotes.

Submission:

Labcorp Genetics (formerly Invitae), Labcorp
Classification: Uncertain significance. Last evaluated: 2025-10-14. Review status: criteria provided, single submitter. Criteria: Invitae Variant Classification Sherloc (09022015). Collection method: clinical testing. Allele origin: germline.
Comment: This sequence change replaces alanine, which is neutral and non-polar, with serine, which is neutral and polar, at codon 205 of the TNFRSF11B protein (p.Ala205Ser). This variant is not present in population databases (gnomAD no frequency). This variant has not been reported in the literature in individuals affected with TNFRSF11B-related conditions. ClinVar contains an entry for this variant (Variation ID: 2139064). Invitae Evidence Modeling of protein sequence and biophysical properties (such as structural, functional, and spatial information, amino acid conservation, physicochemical variation, residue mobility, and thermodynamic stability) indicates that this missense variant is not expected to disrupt TNFRSF11B protein function with a negative predictive value of 80%. In summary, the available evidence is currently insufficient to determine the role of this variant in disease. Therefore, it has been classified as a Variant of Uncertain Significance.